The following is an entry in ClinVar:

ClinVar aggregate classification (germline): Likely benign. Review status: criteria provided, multiple submitters, no conflicts (2 of 4 stars). 4 submissions from 4 submitters: Likely benign (4). Last evaluated 2023-12-13.

Conditions:
Hypercholesterolemia, autosomal dominant, 3 (FHCL3). Also called: Familial Hypercholesterolemia, Autosomal Dominant, 3; PCSK9-Related Familial Hypercholesterolemia, Autosomal Dominant; Familial hypercholesterolemia 3. Identifiers: MedGen C1863551, MONDO:0011369, OMIM 603776.
Cardiovascular phenotype. Identifiers: MedGen CN230736.
Familial hypercholesterolemia. Also called: Familial hypercholesterolemias; Familial hypercholesterolaemia. Identifiers: MedGen C0020445, MONDO:0005439.

Allele frequency attached by ClinVar (database versions not stated): gnomAD 0.00001.

Submissions (4):

All of Us Research Program, National Institutes of Health
Classification: Likely benign for Hypercholesterolemia, autosomal dominant, 3. Last evaluated: 2023-12-13. Review status: criteria provided, single submitter. Criteria: ACMG Guidelines, 2015. Collection method: clinical testing. Allele origin: germline. Inheritance: Autosomal dominant inheritance. Observed: 1 variant allele, 1 heterozygote.
Comment: This study involves interpretation of variants in research participants for the purpose of population health screening. Participant phenotype was not available at the time of variant classification. Additional details can be found in publication PMID: 35346344, PMCID: PMC8962531

Color Diagnostics, LLC DBA Color Health
Classification: Likely benign for Familial hypercholesterolemia. Last evaluated: 2023-08-09. Review status: criteria provided, single submitter. Criteria: ACMG Guidelines, 2015. Collection method: clinical testing. Allele origin: germline.

Labcorp Genetics (formerly Invitae), Labcorp
Classification: Likely benign for Hypercholesterolemia, autosomal dominant, 3. Last evaluated: 2022-06-17. Review status: criteria provided, single submitter. Criteria: Invitae Variant Classification Sherloc (09022015). Collection method: clinical testing. Allele origin: germline.

Ambry Genetics
Classification: Likely benign for Cardiovascular phenotype. Last evaluated: 2020-04-25. Review status: criteria provided, single submitter. Criteria: Ambry Variant Classification Scheme 2023. Collection method: clinical testing. Allele origin: germline.

NM_174936.4(PCSK9):c.561C>A (p.Thr187=)

Gene: PCSK9 (proprotein convertase subtilisin/kexin type 9; plus strand). Cytogenetic location: 1p32.3.
Variant type: single nucleotide variant.
Coding change: c.561C>A on transcript NM_174936.4 (MANE Select); coding-DNA position 561, C replaced by A.
Protein change: p.Thr187=; no amino-acid change (threonine 187 retained).
Molecular consequence: synonymous variant. On other transcripts: non-coding transcript variant (8).
Genome position (GRCh38, 1-based): chr1:55,052,315, C>A. VCF-style: chr1-55052315-C-A. GRCh37 (hg19) VCF-style: chr1-55517988-C-A.
Other names: c.684C>A, p.Thr228= (NM_001407240.1); c.561C>A, p.Thr187= (NM_001407241.1, NM_001407244.1, NM_001407242.1 and 1 more transcripts); c.369C>A, p.Thr123= (NM_001407245.1); c.186C>A, p.Thr62= (NM_001407246.1); c.504C>A, p.Thr168= (NM_001407243.1).
Identifiers: ClinVar variation 1145011 (VCV001145011.14), dbSNP rs955998985, ClinGen allele CA418180893.